The following is an entry in ClinVar:

ClinVar aggregate classification (germline): Uncertain significance (1 of 4 stars; one submission).

Submission:

GeneDx
Classification: Uncertain significance. Last evaluated: 2024-05-08. Review status: criteria provided, single submitter. Criteria: GeneDx Variant Classification Process June 2021. Collection method: clinical testing. Allele origin: germline. Affected: yes.
Comment: Not observed at significant frequency in large population cohorts (gnomAD); In silico analysis supports that this missense variant has a deleterious effect on protein structure/function; Has not been previously published as pathogenic or benign to our knowledge

NM_138927.4(SON):c.3518C>T (p.Pro1173Leu)

Gene: SON (SON DNA and RNA binding protein; plus strand). Cytogenetic location: 21q22.11.
Variant type: single nucleotide variant.
Coding change: c.3518C>T on transcript NM_138927.4 (MANE Select); coding-DNA position 3518, C replaced by T.
Protein change: p.Pro1173Leu; replaces proline 1173 with leucine.
Molecular consequence: missense variant. On other transcripts: non-coding transcript variant (1), intron variant (1).
Genome position (GRCh38, 1-based): chr21:33,552,749, C>T. VCF-style: chr21-33552749-C-T. GRCh37 (hg19) VCF-style: chr21-34925055-C-T.
Other names: c.3518C>T, p.Pro1173Leu (NM_001291411.2, NM_032195.3); c.245-4407C>T (NM_001291412.3); short protein forms P1173L.
Identifiers: ClinVar variation 3375965 (VCV003375965.1).